The following is an entry in ClinVar:

ClinVar aggregate classification (germline): Uncertain significance (1 of 4 stars; one submission).

Allele frequency attached by ClinVar (database versions not stated): ExAC 0.00001; gnomAD exomes 0.00001.
gnomAD v4.1: 3 of 1,613,890 alleles (0.00019%); highest among the groups gnomAD compares: Admixed American, 0.0033%; no homozygotes.

Submission:

Labcorp Genetics (formerly Invitae), Labcorp
Classification: Uncertain significance. Last evaluated: 2025-03-17. Review status: criteria provided, single submitter. Criteria: Invitae Variant Classification Sherloc (09022015). Collection method: clinical testing. Allele origin: germline.
Comment: This sequence change replaces proline, which is neutral and non-polar, with alanine, which is neutral and non-polar, at codon 1401 of the KIAA1549 protein (p.Pro1401Ala). This variant is present in population databases (rs267601311, gnomAD 0.006%). This variant has not been reported in the literature in individuals affected with KIAA1549-related conditions. ClinVar contains an entry for this variant (Variation ID: 2016138). An algorithm developed to predict the effect of missense changes on protein structure and function outputs the following: PolyPhen-2: "Benign". The alanine amino acid residue is found in multiple mammalian species, which suggests that this missense change does not adversely affect protein function. In summary, the available evidence is currently insufficient to determine the role of this variant in disease. Therefore, it has been classified as a Variant of Uncertain Significance.

NM_001164665.2(KIAA1549):c.4201C>G (p.Pro1401Ala)

Gene: KIAA1549 (KIAA1549; minus strand). Cytogenetic location: 7q34.
Variant type: single nucleotide variant.
Coding change: c.4201C>G on transcript NM_001164665.2 (MANE Select); coding-DNA position 4201, C replaced by G.
Protein change: p.Pro1401Ala; replaces proline 1401 with alanine.
Molecular consequence: missense variant.
Genome position (GRCh38, 1-based): chr7:138,881,416, G>C on the plus strand (C>G on the coding strand, the complement: KIAA1549 is on the minus strand). VCF-style: chr7-138881416-G-C. GRCh37 (hg19) VCF-style: chr7-138566162-G-C.
Other names: c.4201C>G, p.Pro1401Ala (NM_020910.3); short protein forms P1401A.
Identifiers: ClinVar variation 2016138 (VCV002016138.4), dbSNP rs267601311, ClinGen allele CA4505981.